The following is an entry in ClinVar:

NM_000051.4(ATM):c.4408T>A (p.Tyr1470Asn)

Gene: ATM (ATM serine/threonine kinase; plus strand). Cytogenetic location: 11q22.3.
Variant type: single nucleotide variant.
Coding change: c.4408T>A on transcript NM_000051.4 (MANE Select); coding-DNA position 4408, T replaced by A.
Protein change: p.Tyr1470Asn; replaces tyrosine 1470 with asparagine.
Molecular consequence: missense variant.
Genome position (GRCh38, 1-based): chr11:108,289,773, T>A. VCF-style: chr11-108289773-T-A. GRCh37 (hg19) VCF-style: chr11-108160500-T-A.
Other names: c.4408T>A, p.Tyr1470Asn (NM_001351834.2); short protein forms Y1470N.
Identifiers: ClinVar variation 4867108 (VCV004867108.1).

ClinVar aggregate classification (germline): Uncertain significance (1 of 4 stars; one submission).

Conditions:
Hereditary cancer-predisposing syndrome. Also called: Neoplastic Syndromes, Hereditary; Tumor predisposition; Hereditary Cancer Syndrome; Hereditary neoplastic syndrome. Identifiers: Orphanet 140162, MedGen C0027672, MeSH D009386, MONDO:0015356.

Submission:

Ambry Genetics
Classification: Uncertain significance for Hereditary cancer-predisposing syndrome. Last evaluated: 2026-06-12. Review status: criteria provided, single submitter. Criteria: Ambry Variant Classification Scheme 2023. Collection method: clinical testing. Allele origin: germline.
Comment: The p.Y1470N variant (also known as c.4408T>A), located in coding exon 28 of the ATM gene, results from a T to A substitution at nucleotide position 4408. The tyrosine at codon 1470 is replaced by asparagine, an amino acid with dissimilar properties. In an assay testing ATM function, this variant showed a functionally normal result (Lee KS et al. Cell, 2025 Sep;188:5081-5099.e27). This amino acid position is highly conserved in available vertebrate species. In addition, this alteration is predicted to be deleterious by in silico analysis. Based on the available evidence, the clinical significance of this variant remains unclear.

Literature cited by the submitters: PubMed 40580951.